The following is an entry in ClinVar:

NM_024809.5(TCTN2):c.1394-10_1394-5del

Gene: TCTN2 (tectonic family member 2; plus strand). Cytogenetic location: 12q24.31.
Variant type: Microsatellite.
Coding change: c.1394-10_1394-5del on transcript NM_024809.5 (MANE Select); 10 bases into the intron before coding-DNA position 1394 through 5 bases into the intron before coding-DNA position 1394, 6 bases deleted (TCTTTT; older notation c.1394-10_1394-5delTCTTTT).
Molecular consequence: intron variant.
Genome position (GRCh38, 1-based): chr12:123,697,077-123,697,082, TCTTTT deleted; deleting any 6 consecutive bases within chr12:123,697,071-123,697,082 gives the same sequence; the c. name uses the placement nearest the transcript's 3' end. VCF-style (leftmost placement, unchanged base first): chr12-123697070-ATCTTTT-A. GRCh37 (hg19) VCF-style: chr12-124181617-ATCTTTT-A.
Other names: c.1391-10_1391-5del (NM_001143850.3).
Identifiers: ClinVar variation 1312750 (VCV001312750.6), dbSNP rs754718630, ClinGen allele CA6861212.

ClinVar aggregate classification (germline): Uncertain significance. Review status: criteria provided, multiple submitters, no conflicts (2 of 4 stars). 2 submissions from 2 submitters: Uncertain significance (2). Last evaluated 2025-07-02.

Conditions:
Joubert syndrome. Also called: CEREBELLOPARENCHYMAL DISORDER IV; JOUBERT-BOLTSHAUSER SYNDROME; Familial aplasia of the vermis. Identifiers: Orphanet 475, MedGen C5979921, MONDO:0018772.
Meckel-Gruber syndrome. Also called: DYSENCEPHALIA SPLANCHNOCYSTICA; GRUBER SYNDROME; Dysencephalia splachnocystica. Identifiers: Orphanet 564, MedGen C0265215, MONDO:0018921.

Submissions (2):

GeneDx
Classification: Uncertain significance. Last evaluated: 2025-07-02. Review status: criteria provided, single submitter. Criteria: GeneDx Variant Classification Process June 2021. Collection method: clinical testing. Allele origin: germline. Affected: yes.
Comment: Not observed at significant frequency in large population cohorts (gnomAD); In silico analysis supports a deleterious effect on splicing; Has not been previously published as pathogenic or benign to our knowledge

Labcorp Genetics (formerly Invitae), Labcorp
Classification: Uncertain significance for Joubert syndrome; Meckel-Gruber syndrome. Last evaluated: 2022-10-17. Review status: criteria provided, single submitter. Criteria: Invitae Variant Classification Sherloc (09022015). Collection method: clinical testing. Allele origin: germline.
Comment: This sequence change falls in intron 12 of the TCTN2 gene. It does not directly change the encoded amino acid sequence of the TCTN2 protein. This variant is present in population databases (rs754718630, gnomAD 0.007%). This variant has not been reported in the literature in individuals affected with TCTN2-related conditions. Algorithms developed to predict the effect of sequence changes on RNA splicing suggest that this variant may disrupt the consensus splice site. In summary, the available evidence is currently insufficient to determine the role of this variant in disease. Therefore, it has been classified as a Variant of Uncertain Significance.